The following is an entry in ClinVar:

NM_014264.5(PLK4):c.30+1G>T

Genes: PLK4 (polo like kinase 4; plus strand), LOC129993054 (ATAC-STARR-seq lymphoblastoid active region 21887; plus strand). Cytogenetic location: 4q28.1.
Variant type: single nucleotide variant.
Coding change: c.30+1G>T on transcript NM_014264.5 (MANE Select); the canonical splice donor site of the intron after coding-DNA position 30, G replaced by T.
Molecular consequence: splice donor variant.
Genome position (GRCh38, 1-based): chr4:127,881,165, G>T. VCF-style: chr4-127881165-G-T. GRCh37 (hg19) VCF-style: chr4-128802320-G-T.
Other names: c.-157+1G>T (NM_001441366.1); c.30+1G>T (NM_001441362.1, NM_001441359.1, NM_001441369.1 and 3 more transcripts); c.-222+1G>T (NM_001441368.1); c.-108+1G>T (NM_001441360.1, NM_001441367.1).
Identifiers: ClinVar variation 5010251 (VCV005010251.1).

ClinVar aggregate classification (germline): Uncertain significance (1 of 4 stars; one submission).

Conditions:
Retinal disorder. Also called: Retinopathy; Retinopathies; Retinal Diseases; Retinal disorders. Identifiers: MedGen C0035309, MONDO:0005283, HP:0000488.

gnomAD v4.1: 1 of 1,614,036 alleles (0.000062%); highest among the groups gnomAD compares: Non-Finnish European, 0.000085%; no homozygotes.

Submission:

Genetics Laboratory, Great Ormond Street Hospital NHS Foundation Trust, North Thames Genomic Laboratory Hub
Classification: Uncertain significance for Retinal disorders. Last evaluated: 2026-08-03. Review status: criteria provided, single submitter. Criteria: ACGS Best Practice Guidelines for Variant Classification in Rare Disease 2024 v1.2. Collection method: clinical testing. Allele origin: germline. Affected: yes.
Comment: PM2_moderate, PVS1_moderate